The following is an entry in ClinVar:

ClinVar aggregate classification (germline): Uncertain significance. Review status: criteria provided, multiple submitters, no conflicts (2 of 4 stars). 3 submissions from 3 submitters: Uncertain significance (3). Last evaluated 2026-06-29.

Conditions:
Cardiovascular phenotype. Identifiers: MedGen CN230736.

Allele frequency attached by ClinVar (database versions not stated): ExAC 0.00010.
gnomAD v4.1: 27 of 1,541,690 alleles (0.0018%); highest among the groups gnomAD compares: Middle Eastern, 0.033%; no homozygotes.

Submissions (3):

Women's Health and Genetics/Laboratory Corporation of America, LabCorp
Classification: Uncertain significance. Last evaluated: 2026-06-29. Review status: criteria provided, single submitter. Criteria: LabCorp Variant Classification Summary - May 2015. Collection method: clinical testing. Allele origin: germline.

Labcorp Genetics (formerly Invitae), Labcorp
Classification: Uncertain significance. Last evaluated: 2022-07-05. Review status: criteria provided, single submitter. Criteria: Invitae Variant Classification Sherloc (09022015). Collection method: clinical testing. Allele origin: germline.
Comment: This sequence change replaces alanine, which is neutral and non-polar, with proline, which is neutral and non-polar, at codon 3174 of the ZNF469 protein (p.Ala3174Pro). This variant is present in population databases (rs767316063, gnomAD 0.03%). This variant has not been reported in the literature in individuals affected with ZNF469-related conditions. Algorithms developed to predict the effect of missense changes on protein structure and function are either unavailable or do not agree on the potential impact of this missense change (SIFT: "Deleterious"; PolyPhen-2: "Probably Damaging"; Align-GVGD: "Class C0"). In summary, the available evidence is currently insufficient to determine the role of this variant in disease. Therefore, it has been classified as a Variant of Uncertain Significance.

Ambry Genetics
Classification: Uncertain significance for Cardiovascular phenotype. Last evaluated: 2021-07-09. Review status: criteria provided, single submitter. Criteria: Ambry Variant Classification Scheme 2023. Collection method: clinical testing. Allele origin: germline.

NM_001367624.2(ZNF469):c.9604G>C (p.Ala3202Pro)

Gene: ZNF469 (zinc finger protein 469; plus strand). Cytogenetic location: 16q24.2.
Variant type: single nucleotide variant.
Coding change: c.9604G>C on transcript NM_001367624.2 (MANE Select); coding-DNA position 9604, G replaced by C.
Protein change: p.Ala3202Pro; replaces alanine 3202 with proline.
Molecular consequence: missense variant.
Genome position (GRCh38, 1-based): chr16:88,437,074, G>C. VCF-style: chr16-88437074-G-C. GRCh37 (hg19) VCF-style: chr16-88503482-G-C.
Other names: NM_001127464.1:c.9520G>C; short protein forms A3202P.
Identifiers: ClinVar variation 2074556 (VCV002074556.3), dbSNP rs767316063, ClinGen allele CA8225440.